The following is an entry in ClinVar:

ClinVar aggregate classification (germline): Uncertain significance (1 of 4 stars; one submission).

Conditions:
Charcot-Marie-Tooth disease type 2E (CMT2E). Also called: CHARCOT-MARIE-TOOTH DISEASE, AXONAL, TYPE 2E; CHARCOT-MARIE-TOOTH NEUROPATHY, TYPE 2E. Identifiers: Orphanet 99939, MedGen C1843225, MONDO:0011894, OMIM 607684.

Submission:

Labcorp Genetics (formerly Invitae), Labcorp
Classification: Uncertain significance for Charcot-Marie-Tooth disease type 2E. Last evaluated: 2025-12-09. Review status: criteria provided, single submitter. Criteria: Invitae Variant Classification Sherloc (09022015). Collection method: clinical testing. Allele origin: germline.
Comment: This sequence change replaces methionine, which is neutral and non-polar, with valine, which is neutral and non-polar, at codon 347 of the NEFL protein (p.Met347Val). This variant is present in population databases (rs768695638, gnomAD 0.0009%). This variant has not been reported in the literature in individuals affected with NEFL-related conditions. Invitae Evidence Modeling of protein sequence and biophysical properties (such as structural, functional, and spatial information, amino acid conservation, physicochemical variation, residue mobility, and thermodynamic stability) indicates that this missense variant is not expected to disrupt NEFL protein function with a negative predictive value of 80%. In summary, the available evidence is currently insufficient to determine the role of this variant in disease. Therefore, it has been classified as a Variant of Uncertain Significance.

NM_006158.5(NEFL):c.1039A>G (p.Met347Val)

Gene: NEFL (neurofilament light chain; minus strand). Cytogenetic location: 8p21.2.
Variant type: single nucleotide variant.
Coding change: c.1039A>G on transcript NM_006158.5 (MANE Select); coding-DNA position 1039, A replaced by G.
Protein change: p.Met347Val; replaces methionine 347 with valine.
Molecular consequence: missense variant.
Genome position (GRCh38, 1-based): chr8:24,955,477, T>C on the plus strand (A>G on the coding strand, the complement: NEFL is on the minus strand). VCF-style: chr8-24955477-T-C. GRCh37 (hg19) VCF-style: chr8-24812991-T-C.
Other names: short protein forms M347V.
Identifiers: ClinVar variation 4739479 (VCV004739479.1).